The following is an entry in ClinVar:

NM_001166108.2(PALLD):c.1904C>A (p.Thr635Lys)

Gene: PALLD (palladin, cytoskeletal associated protein; plus strand). Cytogenetic location: 4q32.3.
Variant type: single nucleotide variant.
Coding change: c.1904C>A on transcript NM_001166108.2 (MANE Select); coding-DNA position 1904, C replaced by A.
Protein change: p.Thr635Lys; replaces threonine 635 with lysine.
Molecular consequence: missense variant.
Genome position (GRCh38, 1-based): chr4:168,711,863, C>A. VCF-style: chr4-168711863-C-A. GRCh37 (hg19) VCF-style: chr4-169633014-C-A.
Other names: c.758C>A, p.Thr253Lys (NM_001166109.2); c.1904C>A, p.Thr635Lys (NM_016081.4); short protein forms T635K, T253K.
Identifiers: ClinVar variation 3304017 (VCV003304017.1).

ClinVar aggregate classification (germline): Uncertain significance (1 of 4 stars; one submission).

gnomAD v4.1: 10 of 1,614,170 alleles (0.00062%); highest among the groups gnomAD compares: Non-Finnish European, 0.00085%; no homozygotes.

Submission:

Ambry Genetics
Classification: Uncertain significance. Last evaluated: 2024-03-30. Review status: criteria provided, single submitter. Criteria: Ambry Variant Classification Scheme 2023. Collection method: clinical testing. Allele origin: germline.
Comment: The p.T635K variant (also known as c.1904C>A), located in coding exon 9 of the PALLD gene, results from a C to A substitution at nucleotide position 1904. The threonine at codon 635 is replaced by lysine, an amino acid with similar properties. This amino acid position is conserved. In addition, this alteration is predicted to be tolerated by in silico analysis. Based on the available evidence, the clinical significance of this alteration remains unclear.